The following is an entry in ClinVar:

ClinVar aggregate classification (germline): Pathogenic. Review status: criteria provided, single submitter (1 of 4 stars). 2 submissions from 2 submitters: Pathogenic (1). 1 of the submissions does not count toward it. Last evaluated 2025-02-24.

Conditions:
Usher syndrome type 1C. Also called: USHER SYNDROME, TYPE I, ACADIAN VARIETY. Identifiers: Orphanet 231169, Orphanet 886, MedGen C1848604, MONDO:0010171, OMIM 276904.

Submissions (2):

Natera, Inc.
Classification: Pathogenic for Usher syndrome type 1C. Last evaluated: 2025-02-24. Review status: criteria provided, single submitter. Criteria: Natera Variant Classification Schema (03/2026). Collection method: clinical testing. Allele origin: germline.
Comment: The c.36+1G>T variant in USH1C is a canonical splice donor site variant predicted to affect pre-mRNA splicing, which may result in an abnormal transcript and altered protein product. This variant is expected to result in nonsense mediated decay, truncation, or a dysfunctional protein product. This variant is rare in the general population with a frequency below the threshold expected for the associated phenotype(s). This variant has been observed in one or more individuals affected with the associated recessive disease, as either homozygous or compound heterozygous with a second variant (PMID: 11139240). Given the available evidence, this variant is classified as Pathogenic.

OMIM
Classification: Pathogenic for USHER SYNDROME, TYPE IC. Last evaluated: 2001-01-01. Review status: no assertion criteria provided. Collection method: literature only. Allele origin: germline. Not counted in ClinVar's aggregate classification.

Literature cited by the submitters: PubMed 11139240 (cited by Natera, Inc. and OMIM).

NM_153676.4(USH1C):c.36+1G>T

Gene: USH1C (USH1 protein network component harmonin; minus strand). Cytogenetic location: 11p15.1.
Variant type: single nucleotide variant.
Coding change: c.36+1G>T on transcript NM_153676.4 (MANE Select); the canonical splice donor site of the intron after coding-DNA position 36, G replaced by T.
Molecular consequence: splice donor variant.
Genome position (GRCh38, 1-based): chr11:17,544,271, C>A on the plus strand (G>T on the coding strand, the complement: USH1C is on the minus strand). VCF-style: chr11-17544271-C-A. GRCh37 (hg19) VCF-style: chr11-17565818-C-A.
Other names: IVS1DS, G-T, +1; c.36+1G>T (NM_001297764.2, NM_005709.4).
Identifiers: ClinVar variation 5144 (VCV000005144.4), dbSNP rs1403777293, ClinGen allele CA379804970.